The following is an entry in ClinVar:

ClinVar aggregate classification (germline): Uncertain significance. Review status: reviewed by expert panel (3 of 4 stars). 2 submissions from 2 submitters: Uncertain significance (1). 1 of the submissions does not count toward it. Last evaluated 2025-08-01.

Conditions:
Malignant hyperthermia, susceptibility to, 1 (MHS1). Also called: RYR1-Related Malignant Hyperthermia Susceptibility; Malignant hyperthermia suceptibility 1; Anesthesia related hyperthermia; Malignant hyperpyrexia; Fulminating hyperpyrexia; Pharmacogenic myopathy. Identifiers: Orphanet 423, MedGen C2930980, MONDO:0007783, OMIM 145600.

Allele frequency attached by ClinVar (database versions not stated): gnomAD exomes below 0.00001.

Submissions (2):

ClinGen Malignant Hyperthermia Susceptibility Variant Curation Expert Panel, ClinGen
Classification: Uncertain significance for Malignant hyperthermia, susceptibility to, 1. Last evaluated: 2025-08-01. Review status: reviewed by expert panel. Criteria: ClinGen MHS ACMG Specifications V2. Collection method: curation. Allele origin: germline. Inheritance: Autosomal dominant inheritance.
Comment: This pathogenicity assessment is relevant only for malignant hyperthermia susceptibility (MHS) inherited in an autosomal dominant pattern. Variants in RYR1 can also cause other myopathies inherited in an autosomal dominant pattern or in an autosomal recessive pattern. Some of these disorders may predispose individuals to malignant hyperthermia. RYR1 variants may also contribute to a malignant hyperthermia reaction in combination with other genetic and non-genetic factors and the clinician needs to consider such factors in making management decisions. This sequence variant predicts a substitution of methionine with lysine at codon 1814 of the RYR1 protein, p.Met1814Lys. This variant was not present in a large population database (gnomAD) at the time this variant was interpreted. This variant has been reported in an individual with a personal or family history of an MH episode and a positive in vitro contracture test (IVCT) or caffeine halothane contracture test (CHCT) result (if the proband was unavailable for testing, a positive diagnostic test result in a mutation-positive relative was counted), however, this individual had a second variant of uncertain significance in RYR1, p.Tyr2510His, PS4 was not implemented (PMID:30236257). No functional studies were identified for this variant. This variant does not reside in a hotspot for pathogenic variants that contribute to MHS. A REVEL score of 0.81 supports neither a pathogenic nor a benign status for this variant. This variant has been classified as a Variant of Unknown Significance. Criteria implemented: None.

RYR1 database
No classification provided. Review status: no classification provided. Collection method: not provided. Allele origin: unknown. Not counted in ClinVar's aggregate classification.

NM_000540.3(RYR1):c.5441T>A (p.Met1814Lys)

Gene: RYR1 (ryanodine receptor 1; plus strand). Cytogenetic location: 19q13.2.
Variant type: single nucleotide variant.
Coding change: c.5441T>A on transcript NM_000540.3 (MANE Select); coding-DNA position 5441, T replaced by A.
Protein change: p.Met1814Lys; replaces methionine 1814 with lysine.
Molecular consequence: missense variant.
Genome position (GRCh38, 1-based): chr19:38,486,096, T>A. VCF-style: chr19-38486096-T-A. GRCh37 (hg19) VCF-style: chr19-38976736-T-A.
Other names: c.5441T>A (NM_000540.2); c.5441T>A, p.Met1814Lys (NM_001042723.2); short protein forms M1814K.
Identifiers: ClinVar variation 133150 (VCV000133150.6), dbSNP rs193922783, ClinGen allele CA024520.